The following is an entry in ClinVar:

ClinVar aggregate classification (germline): Uncertain significance (1 of 4 stars; one submission).

Submission:

Labcorp Genetics (formerly Invitae), Labcorp
Classification: Uncertain significance. Last evaluated: 2020-12-22. Review status: criteria provided, single submitter. Criteria: Invitae Variant Classification Sherloc (09022015). Collection method: clinical testing. Allele origin: germline.
Comment: In summary, the available evidence is currently insufficient to determine the role of this variant in disease. Therefore, it has been classified as a Variant of Uncertain Significance. Nucleotide substitutions within the consensus splice site are a relatively common cause of aberrant splicing (PMID: 17576681, 9536098). Experimental studies and prediction algorithms are not available or were not evaluated, and the effect of this variant on mRNA splicing is currently unknown. This variant has not been reported in the literature in individuals with CDH23-related conditions. This variant is not present in population databases (ExAC no frequency). This sequence change falls in intron 51 of the CDH23 gene. It does not directly change the encoded amino acid sequence of the CDH23 protein. It affects a nucleotide within the consensus splice site of the intron.

Literature cited by the submitters: PubMed 17576681; PubMed 9536098.

NM_022124.6(CDH23):c.7224+6T>C

Gene: CDH23 (cadherin related 23; plus strand). Cytogenetic location: 10q22.1.
Variant type: single nucleotide variant.
Coding change: c.7224+6T>C on transcript NM_022124.6 (MANE Select); 6 bases into the intron after coding-DNA position 7224, T replaced by C.
Molecular consequence: intron variant.
Genome position (GRCh38, 1-based): chr10:71,799,286, T>C. VCF-style: chr10-71799286-T-C. GRCh37 (hg19) VCF-style: chr10-73559043-T-C.
Other names: c.504+6T>C (NM_001171933.1, NM_001171934.1).
Identifiers: ClinVar variation 1431334 (VCV001431334.6), dbSNP rs2132968171, ClinGen allele CA2573145296.